The following is an entry in ClinVar:

ClinVar aggregate classification (germline): Uncertain significance. Review status: criteria provided, multiple submitters, no conflicts (2 of 4 stars). 2 submissions from 2 submitters: Uncertain significance (2). Last evaluated 2024-02-12.

Allele frequency attached by ClinVar (database versions not stated): gnomAD 0.00003; TOPMed 0.00005; ExAC 0.00006; gnomAD exomes 0.00012.
gnomAD v4.1: 186 of 1,613,918 alleles (0.012%); highest among the groups gnomAD compares: Non-Finnish European, 0.015%; no homozygotes.

Submissions (2):

Revvity Omics, Revvity
Classification: Uncertain significance. Last evaluated: 2024-02-12. Review status: criteria provided, single submitter. Criteria: ACMG Guidelines, 2015. Collection method: clinical testing. Allele origin: germline.

Labcorp Genetics (formerly Invitae), Labcorp
Classification: Uncertain significance. Last evaluated: 2023-10-03. Review status: criteria provided, single submitter. Criteria: Invitae Variant Classification Sherloc (09022015). Collection method: clinical testing. Allele origin: germline.
Comment: This sequence change replaces glycine, which is neutral and non-polar, with alanine, which is neutral and non-polar, at codon 565 of the SLC4A1 protein (p.Gly565Ala). This variant is present in population databases (rs551784583, gnomAD 0.02%). This variant has not been reported in the literature in individuals affected with SLC4A1-related conditions. ClinVar contains an entry for this variant (Variation ID: 2138051). Advanced modeling of protein sequence and biophysical properties (such as structural, functional, and spatial information, amino acid conservation, physicochemical variation, residue mobility, and thermodynamic stability) performed at Invitae indicates that this missense variant is not expected to disrupt SLC4A1 protein function. In summary, the available evidence is currently insufficient to determine the role of this variant in disease. Therefore, it has been classified as a Variant of Uncertain Significance.

NM_000342.4(SLC4A1):c.1694G>C (p.Gly565Ala)

Gene: SLC4A1 (solute carrier family 4 member 1 (Diego blood group); minus strand). Cytogenetic location: 17q21.31.
Variant type: single nucleotide variant.
Coding change: c.1694G>C on transcript NM_000342.4 (MANE Select); coding-DNA position 1694, G replaced by C.
Protein change: p.Gly565Ala; replaces glycine 565 with alanine.
Molecular consequence: missense variant.
Genome position (GRCh38, 1-based): chr17:44,255,779, C>G on the plus strand (G>C on the coding strand, the complement: SLC4A1 is on the minus strand). VCF-style: chr17-44255779-C-G. GRCh37 (hg19) VCF-style: chr17-42333147-C-G.
Other names: short protein forms G565A.
Identifiers: ClinVar variation 2138051 (VCV002138051.5), dbSNP rs551784583, ClinGen allele CA8600219.